The following is an entry in ClinVar:

NM_004817.4(TJP2):c.2715C>T (p.Thr905=)

Gene: TJP2 (tight junction protein 2; plus strand). Cytogenetic location: 9q21.11.
Variant type: single nucleotide variant.
Coding change: c.2715C>T on transcript NM_004817.4 (MANE Select); coding-DNA position 2715, C replaced by T.
Protein change: p.Thr905=; no amino-acid change (threonine 905 retained).
Molecular consequence: synonymous variant. On other transcripts: intron variant (1).
Genome position (GRCh38, 1-based): chr9:69,248,059, C>T. VCF-style: chr9-69248059-C-T. GRCh37 (hg19) VCF-style: chr9-71862975-C-T.
Other names: p.Thr905=; c.2646C>T, p.Thr882= (NM_001170414.2, NM_001369871.1); c.2727C>T, p.Thr909= (NM_001170415.1, NM_001369874.1, NM_001369875.1); c.2808C>T, p.Thr936= (NM_001170416.2); c.2640C>T, p.Thr880= (NM_001369870.1); c.2715C>T, p.Thr905= (NM_001369872.1, NM_201629.3); c.2667+1269C>T (NM_001369873.1).
Identifiers: ClinVar variation 44105 (VCV000044105.22), dbSNP rs2282336, ClinGen allele CA133582.

ClinVar aggregate classification (germline): Benign. Review status: criteria provided, multiple submitters, no conflicts (2 of 4 stars). 9 submissions from 8 submitters: Benign (9). Last evaluated 2026-02-04.

Conditions:
Cholestasis, progressive familial intrahepatic, 4. Identifiers: Orphanet 480483, Orphanet 79304, MedGen C2931067, MONDO:0014381, OMIM 615878.
Hypercholanemia, familial 1 (FHCA1). Identifiers: Orphanet 238475, MedGen C5542604, MONDO:0031446, OMIM 607748.

Allele frequency attached by ClinVar (database versions not stated): 1000 Genomes Project 30x 0.28467; ESP Exome Variant Server 0.19752; gnomAD exomes 0.22616 and 0.27117; gnomAD 0.22650 and 0.22874; TOPMed 0.24436; ExAC 0.26141; 1000 Genomes Project 0.28415.
gnomAD v4.1: 365,126 of 1,613,470 alleles (23%); highest among the groups gnomAD compares: Admixed American, 48%; 45,433 homozygotes.

Submissions (9):

Labcorp Genetics (formerly Invitae), Labcorp
Classification: Benign. Last evaluated: 2026-02-04. Review status: criteria provided, single submitter. Criteria: Invitae Variant Classification Sherloc (09022015). Collection method: clinical testing. Allele origin: germline.

Mayo Clinic Laboratories, Mayo Clinic
Classification: Benign. Last evaluated: 2022-05-05. Review status: criteria provided, single submitter. Criteria: ACMG Guidelines, 2015. Collection method: clinical testing. Allele origin: germline. Observed: 322 variant alleles.

Genome-Nilou Lab
Classification: Benign for Cholestasis, progressive familial intrahepatic, 4. Last evaluated: 2021-09-10. Review status: criteria provided, single submitter. Criteria: ACMG Guidelines, 2015. Collection method: clinical testing. Allele origin: germline. Affected: no.

Genome-Nilou Lab
Classification: Benign for Hypercholanemia, familial 1. Last evaluated: 2021-09-10. Review status: criteria provided, single submitter. Criteria: ACMG Guidelines, 2015. Collection method: clinical testing. Allele origin: germline. Affected: no.

GeneDx
Classification: Benign. Last evaluated: 2017-05-09. Review status: criteria provided, single submitter. Criteria: GeneDx Variant Classification (06012015). Collection method: clinical testing. Allele origin: germline. Affected: yes.
Comment: This variant is considered likely benign or benign based on one or more of the following criteria: it is a conservative change, it occurs at a poorly conserved position in the protein, it is predicted to be benign by multiple in silico algorithms, and/or has population frequency not consistent with disease.

Eurofins Ntd Llc (ga)
Classification: Benign. Last evaluated: 2016-11-07. Review status: criteria provided, single submitter. Criteria: EGL Classification Definitions 2015. Collection method: clinical testing. Allele origin: germline. Observed: 1 variant allele, 1 homozygote.

Laboratory for Molecular Medicine, Mass General Brigham Personalized Medicine
Classification: Benign. Last evaluated: 2012-11-29. Review status: criteria provided, single submitter. Criteria: LMM Criteria. Collection method: clinical testing. Allele origin: germline. Observed: 262 variant alleles.
Comment: Thr905Thr in exons 19E of TJP2: This variant is not expected to have clinical si gnificance because it does not alter an amino acid residue, is not located withi n the splice consensus sequence, has been identified in 21% (1815/8600) of Europ ean American chromosomes and 17% (754/4406) of African American chromosomes from a broad population by the NHLBI Exome Sequencing Project (dbSNP rs2282336)

Breakthrough Genomics
Classification: Benign. Review status: criteria provided, single submitter. Criteria: ACMG Guidelines, 2015. Collection method: not provided. Allele origin: germline. Inheritance: Autosomal recessive inheritance. Affected: yes.

PreventionGenetics, part of Exact Sciences
Classification: Benign. Review status: criteria provided, single submitter. Criteria: ACMG Guidelines, 2015. Collection method: clinical testing. Allele origin: germline.